The following is an entry in ClinVar:

NM_006940.6(SOX5):c.1922G>C (p.Arg641Pro)

Gene: SOX5 (SRY-box transcription factor 5; minus strand). Cytogenetic location: 12p12.1.
Variant type: single nucleotide variant.
Coding change: c.1922G>C on transcript NM_006940.6 (MANE Select); coding-DNA position 1922, G replaced by C.
Protein change: p.Arg641Pro; replaces arginine 641 with proline.
Molecular consequence: missense variant.
Genome position (GRCh38, 1-based): chr12:23,536,519, C>G on the plus strand (G>C on the coding strand, the complement: SOX5 is on the minus strand). VCF-style: chr12-23536519-C-G. GRCh37 (hg19) VCF-style: chr12-23689453-C-G.
Other names: c.1559G>C, p.Arg520Pro (NM_001261414.3); c.1892G>C, p.Arg631Pro (NM_001261415.3); c.1817G>C, p.Arg606Pro (NM_001330785.2); c.1883G>C, p.Arg628Pro (NM_152989.5); c.764G>C, p.Arg255Pro (NM_178010.4); short protein forms R255P, R606P, R628P, R631P, R641P, R520P.
Identifiers: ClinVar variation 3393877 (VCV003393877.1).

ClinVar aggregate classification (germline): Uncertain significance (1 of 4 stars; one submission).

gnomAD v4.1: 1 of 1,614,166 alleles (0.000062%); highest among the groups gnomAD compares: Non-Finnish European, 0.000085%; no homozygotes.

Submission:

GeneDx
Classification: Uncertain significance. Last evaluated: 2024-07-03. Review status: criteria provided, single submitter. Criteria: GeneDx Variant Classification Process June 2021. Collection method: clinical testing. Allele origin: germline. Affected: yes.
Comment: Not observed at significant frequency in large population cohorts (gnomAD); In silico analysis supports that this missense variant has a deleterious effect on protein structure/function; Has not been previously published as pathogenic or benign to our knowledge